The following is an entry in ClinVar:

NM_001165963.4(SCN1A):c.1633dup (p.Tyr545fs)

Gene: SCN1A (sodium voltage-gated channel alpha subunit 1; minus strand). Cytogenetic location: 2q24.3.
Variant type: Duplication.
Coding change: c.1633dup on transcript NM_001165963.4 (MANE Select); coding-DNA position 1633, one base duplicated (T; older notation c.1633dupT).
Protein change: p.Tyr545fs; shifts the reading frame from tyrosine 545.
Molecular consequence: frameshift variant. On other transcripts: 5 prime UTR variant (1), non-coding transcript variant (1).
Genome position (GRCh38, 1-based): chr2:166,045,072, A duplicated on the plus strand (T on the coding strand, the reverse complement: SCN1A is on the minus strand). VCF-style (leftmost placement, unchanged base first): chr2-166045071-T-TA. GRCh37 (hg19) VCF-style: chr2-166901581-T-TA.
Other names: c.1633dup, p.Tyr545fs (NM_001165964.3, NM_001202435.3, NM_001353948.2 and 7 more transcripts); c.1630dup, p.Tyr544fs (NM_001353954.2, NM_001353955.2, NM_001353960.2); c.-793dup (NM_001353961.2); short protein forms Y544fs, Y545fs.
Identifiers: ClinVar variation 5018464 (VCV005018464.1).
Genomic context (GRCh38, chr2:166,045,071, plus strand): 5'-ACCATGCATCAGTAAACTCAGCAGTGCCATACCTGGTGTGGGGAGGAGTACCTCTTTTCA[T>TA]ATGTCAATCGGTTCCCTTCAATGGAGAAGCGAAAACCTTTCCTCCTGATGCTGTCCTCAG-3'

ClinVar aggregate classification (germline): Pathogenic (1 of 4 stars; one submission).

Submission:

GeneDx
Classification: Pathogenic. Last evaluated: 2026-04-02. Review status: criteria provided, single submitter. Criteria: GeneDx Variant Classification Process June 2021. Collection method: clinical testing. Allele origin: germline.
Comment: Identified in a patient with epilepsy and febrile seizures, but it is unknown whether this individual was screened for variants in other genes associated with this phenotype (PMID: 28202706); Frameshift variant predicted to result in protein truncation or nonsense mediated decay in a gene for which loss of function is a known mechanism of disease; Not observed at significant frequency in large population cohorts (gnomAD); This variant is associated with the following publications: (PMID: 37738884, 35074891, 28202706)